The following is an entry in ClinVar:

NM_032608.7(MYO18B):c.5213A>T (p.Asp1738Val)

Gene: MYO18B (myosin XVIIIB; plus strand). Cytogenetic location: 22q12.1.
Variant type: single nucleotide variant.
Coding change: c.5213A>T on transcript NM_032608.7 (MANE Select); coding-DNA position 5213, A replaced by T.
Protein change: p.Asp1738Val; replaces aspartic acid 1738 with valine.
Molecular consequence: missense variant.
Genome position (GRCh38, 1-based): chr22:25,908,386, A>T. VCF-style: chr22-25908386-A-T. GRCh37 (hg19) VCF-style: chr22-26304353-A-T.
Other names: c.5216A>T, p.Asp1739Val (NM_001318245.2); c.5213A>T (NM_032608.5); short protein forms D1738V, D1739V.
Identifiers: ClinVar variation 1353715 (VCV001353715.4), dbSNP rs766396815, ClinGen allele CA10161101.

ClinVar aggregate classification (germline): Uncertain significance. Review status: criteria provided, multiple submitters, no conflicts (2 of 4 stars). 2 submissions from 2 submitters: Uncertain significance (2). Last evaluated 2024-07-27.

Conditions:
Inborn genetic diseases. Identifiers: MedGen C0950123, MeSH D030342.

Allele frequency attached by ClinVar (database versions not stated): gnomAD 0.00002; TOPMed 0.00002; gnomAD exomes 0.00003; ExAC 0.00005.
gnomAD v4.1: 20 of 1,603,264 alleles (0.0012%); highest among the groups gnomAD compares: South Asian, 0.023%; no homozygotes.

Submissions (2):

Ambry Genetics
Classification: Uncertain significance for Inborn genetic diseases. Last evaluated: 2024-07-27. Review status: criteria provided, single submitter. Criteria: Ambry Variant Classification Scheme 2023. Collection method: clinical testing. Allele origin: germline.

Labcorp Genetics (formerly Invitae), Labcorp
Classification: Uncertain significance. Last evaluated: 2021-09-14. Review status: criteria provided, single submitter. Criteria: Invitae Variant Classification Sherloc (09022015). Collection method: clinical testing. Allele origin: germline.
Comment: This sequence change replaces aspartic acid with valine at codon 1738 of the MYO18B protein (p.Asp1738Val). The aspartic acid residue is moderately conserved and there is a large physicochemical difference between aspartic acid and valine. This variant is present in population databases (rs766396815, ExAC 0.03%). This variant has not been reported in the literature in individuals affected with MYO18B-related conditions. Algorithms developed to predict the effect of missense changes on protein structure and function are either unavailable or do not agree on the potential impact of this missense change (SIFT: "Not Available"; PolyPhen-2: "Probably Damaging"; Align-GVGD: "Not Available"). In summary, the available evidence is currently insufficient to determine the role of this variant in disease. Therefore, it has been classified as a Variant of Uncertain Significance.